The following is an entry in ClinVar:

NM_001376.5(DYNC1H1):c.3620C>T (p.Ser1207Phe)

Gene: DYNC1H1 (dynein cytoplasmic 1 heavy chain 1; plus strand). Cytogenetic location: 14q32.31.
Variant type: single nucleotide variant.
Coding change: c.3620C>T on transcript NM_001376.5 (MANE Select); coding-DNA position 3620, C replaced by T.
Protein change: p.Ser1207Phe; replaces serine 1207 with phenylalanine.
Molecular consequence: missense variant.
Genome position (GRCh38, 1-based): chr14:101,997,090, C>T. VCF-style: chr14-101997090-C-T. GRCh37 (hg19) VCF-style: chr14-102463427-C-T.
Other names: p.Ser1207Phe; short protein forms S1207F.
Identifiers: ClinVar variation 2683279 (VCV002683279.1), dbSNP rs2503720181, ClinGen allele CA391035813.

ClinVar aggregate classification (germline): Uncertain significance (1 of 4 stars; one submission).

Submission:

Mayo Clinic Laboratories, Mayo Clinic
Classification: Uncertain significance. Last evaluated: 2022-07-12. Review status: criteria provided, single submitter. Criteria: ACMG Guidelines, 2015. Collection method: clinical testing. Allele origin: germline. Observed: 1 variant allele.
Comment: BP5, PM2